The following is an entry in ClinVar:

ClinVar aggregate classification (germline): Uncertain significance (1 of 4 stars; one submission).

Conditions:
Hereditary spastic paraplegia 63. Also called: Spastic paraplegia 63, autosomal recessive. Identifiers: Orphanet 401805, MedGen C3810295, MONDO:0014305, OMIM 615686.
Pontocerebellar hypoplasia type 9. Identifiers: Orphanet 369920, MedGen C4014354, MONDO:0014351, OMIM 615809.

Allele frequency attached by ClinVar (database versions not stated): gnomAD exomes below 0.00001; gnomAD 0.00001; TOPMed 0.00001.
gnomAD v4.1: 8 of 1,614,062 alleles (0.0005%); highest among the groups gnomAD compares: Non-Finnish European, 0.00059%; no homozygotes.

Submission:

Labcorp Genetics (formerly Invitae), Labcorp
Classification: Uncertain significance for Pontocerebellar hypoplasia type 9; Hereditary spastic paraplegia 63. Last evaluated: 2021-08-31. Review status: criteria provided, single submitter. Criteria: Invitae Variant Classification Sherloc (09022015). Collection method: clinical testing. Allele origin: germline.
Comment: This sequence change replaces arginine with cysteine at codon 843 of the AMPD2 protein (p.Arg843Cys). The arginine residue is highly conserved and there is a large physicochemical difference between arginine and cysteine. This variant is not present in population databases (ExAC no frequency). This variant has not been reported in the literature in individuals affected with AMPD2-related conditions. Algorithms developed to predict the effect of missense changes on protein structure and function are either unavailable or do not agree on the potential impact of this missense change (SIFT: "Deleterious"; PolyPhen-2: "Probably Damaging"; Align-GVGD: "Class C0"). This variant disrupts the p.Arg843 amino acid residue in AMPD2. Other variant(s) that disrupt this residue have been determined to be pathogenic (PMID: 27159321, 29463858). This suggests that this residue is clinically significant, and that variants that disrupt this residue are likely to be disease-causing. In summary, the available evidence is currently insufficient to determine the role of this variant in disease. Therefore, it has been classified as a Variant of Uncertain Significance.

Literature cited by the submitters: PubMed 27159321; PubMed 29463858.

NM_001368809.2(AMPD2):c.2365C>T (p.Arg789Cys)

Gene: AMPD2 (adenosine monophosphate deaminase 2; plus strand). Cytogenetic location: 1p13.3.
Variant type: single nucleotide variant.
Coding change: c.2365C>T on transcript NM_001368809.2 (MANE Select); coding-DNA position 2365, C replaced by T.
Protein change: p.Arg789Cys; replaces arginine 789 with cysteine.
Molecular consequence: missense variant.
Genome position (GRCh38, 1-based): chr1:109,631,039, C>T. VCF-style: chr1-109631039-C-T. GRCh37 (hg19) VCF-style: chr1-110173661-C-T.
Other names: c.2173C>T, p.Arg725Cys (NM_001257361.2); c.2302C>T, p.Arg768Cys (NM_001308170.1); c.2365C>T, p.Arg789Cys (NM_004037.9); c.2284C>T, p.Arg762Cys (NM_139156.4); short protein forms R768C, R789C, R725C, R762C.
Identifiers: ClinVar variation 1363406 (VCV001363406.5), dbSNP rs1253216358, ClinGen allele CA341563479.